The following is an entry in ClinVar:

ClinVar aggregate classification (germline): Uncertain significance (1 of 4 stars; one submission).

Conditions:
Osteogenesis imperfecta type I (OI1). Also called: OI, TYPE I; OSTEOGENESIS IMPERFECTA TARDA; OSTEOGENESIS IMPERFECTA WITH BLUE SCLERAE; Lobstein's Disease; Osteogenesis imperfecta type 1; Classic Non-deforming Osteogenesis Imperfecta with Blue Sclerae. Identifiers: Orphanet 216796, Orphanet 666, MedGen C0023931, MONDO:0008146, OMIM 166200. Disease mechanism: loss of function.

Submission:

Labcorp Genetics (formerly Invitae), Labcorp
Classification: Uncertain significance for Osteogenesis imperfecta type I. Last evaluated: 2022-05-17. Review status: criteria provided, single submitter. Criteria: Invitae Variant Classification Sherloc (09022015). Collection method: clinical testing. Allele origin: germline.
Comment: This sequence change falls in intron 36 of the COL1A1 gene. It does not directly change the encoded amino acid sequence of the COL1A1 protein. Information on the frequency of this variant in the gnomAD database is not available, as this variant may be reported differently in the database. This variant has not been reported in the literature in individuals affected with COL1A1-related conditions. Experimental studies and prediction algorithms are not available or were not evaluated, and the effect of this variant on mRNA splicing is currently unknown. In summary, the available evidence is currently insufficient to determine the role of this variant in disease. Therefore, it has been classified as a Variant of Uncertain Significance.

NM_000088.4(COL1A1):c.2560-19_2560-18delinsTG

Gene: COL1A1 (collagen type I alpha 1 chain; minus strand). Cytogenetic location: 17q21.33.
Variant type: Indel.
Coding change: c.2560-19_2560-18delinsTG on transcript NM_000088.4 (MANE Select); 19 bases into the intron before coding-DNA position 2560 through 18 bases into the intron before coding-DNA position 2560, CC replaced by TG.
Molecular consequence: intron variant.
Genome position (GRCh38, 1-based): chr17:50,189,930-50,189,931, GG replaced by CA on the plus strand (CC replaced by TG on the coding strand, the reverse complement: COL1A1 is on the minus strand). VCF-style: chr17-50189930-GG-CA. GRCh37 (hg19) VCF-style: chr17-48267291-GG-CA.
Identifiers: ClinVar variation 2159780 (VCV002159780.4), dbSNP rs2509187539, ClinGen allele CA2580094245.
Genomic context (GRCh38, chr17:50,189,930, plus strand): 5'-CGCTGCCGCGAGCACCTTTGGCTCCAGGAGCACCAACATTACCCTGTAGGAGAGCACAGA[GG>CA]CATCAAGCCTGGACCCGTCCTGGGTCCCAGCCCACCAGCCTCGTGGGCACAGAGGGCCAA-3'